The following is an entry in ClinVar:

NM_198994.3(TGM6):c.524A>G (p.Gln175Arg)

Gene: TGM6 (transglutaminase 6; plus strand). Cytogenetic location: 20p13.
Variant type: single nucleotide variant.
Coding change: c.524A>G on transcript NM_198994.3 (MANE Select); coding-DNA position 524, A replaced by G.
Protein change: p.Gln175Arg; replaces glutamine 175 with arginine.
Molecular consequence: missense variant.
Genome position (GRCh38, 1-based): chr20:2,396,605, A>G. VCF-style: chr20-2396605-A-G. GRCh37 (hg19) VCF-style: chr20-2377251-A-G.
Other names: c.524A>G, p.Gln175Arg (NM_001254734.2); short protein forms Q175R.
Identifiers: ClinVar variation 3571765 (VCV003571765.1).
Genomic context (GRCh38, chr20:2,396,605, plus strand): 5'-AGTACGTGCTCAGCGACAGCGGCATCATCTTCCGAGGCGTGGAGAAGCACATACGAGCCC[A>G]GGGCTGGAACTACGGGCAGGTCTCCAGGGGCACAGGCCAGACAAGGATGTGGGCTGGGGC-3'
Protein context (NP_945345.2, residues 165-185): FRGVEKHIRA[Gln175Arg]GWNYGQFEED

ClinVar aggregate classification (germline): Uncertain significance (1 of 4 stars; one submission).

gnomAD v4.1: 1 of 1,614,214 alleles (0.000062%); highest among the groups gnomAD compares: Non-Finnish European, 0.000085%; no homozygotes.

Submission:

Athena Diagnostics
Classification: Uncertain significance. Last evaluated: 2023-12-20. Review status: criteria provided, single submitter. Criteria: Athena Diagnostics Criteria. Collection method: clinical testing. Allele origin: unknown.
Comment: Available data are insufficient to determine the clinical significance of the variant at this time. This variant has not been reported in large, multi-ethnic general populations. Computational tools predict that this variant is not damaging.